The following is an entry in ClinVar:

NM_002087.4(GRN):c.1618G>C (p.Gly540Arg)

Gene: GRN (granulin precursor; plus strand). Cytogenetic location: 17q21.31.
Variant type: single nucleotide variant.
Coding change: c.1618G>C on transcript NM_002087.4 (MANE Select); coding-DNA position 1618, G replaced by C.
Protein change: p.Gly540Arg; replaces glycine 540 with arginine.
Molecular consequence: missense variant.
Genome position (GRCh38, 1-based): chr17:44,352,545, G>C. VCF-style: chr17-44352545-G-C. GRCh37 (hg19) VCF-style: chr17-42429913-G-C.
Other names: short protein forms G540R.
Identifiers: ClinVar variation 3028956 (VCV003028956.2), dbSNP rs770884002, ClinGen allele CA8602250.
Genomic context (GRCh38, chr17:44,352,545, plus strand): 5'-GAGTGTGGGGAAGGACACTTCTGCCATGATAACCAGACCTGCTGCCGAGACAACCGACAG[G>C]GCTGGGCCTGCTGTCCCTACCGCCAGGTCAGTGCCAACCCCCATCCTGGGGCTGGGTATG-3'
Protein context (NP_002078.1, residues 530-550): NQTCCRDNRQ[Gly540Arg]WACCPYRQGV

ClinVar aggregate classification (germline): Uncertain significance (0 of 4 stars; one submission).

Conditions:
GRN-related disorder. Also called: GRN-related condition; GRN-related disorders.

Allele frequency attached by ClinVar (database versions not stated): gnomAD exomes below 0.00001; ExAC 0.00001.
gnomAD v4.1: 3 of 1,613,332 alleles (0.00019%); highest among the groups gnomAD compares: Non-Finnish European, 0.00025%; no homozygotes.

Submission:

PreventionGenetics, part of Exact Sciences
Classification: Uncertain significance for GRN-related condition. Last evaluated: 2024-05-21. Review status: no assertion criteria provided. Collection method: clinical testing. Allele origin: germline.
Comment: The GRN c.1618G>C variant is predicted to result in the amino acid substitution p.Gly540Arg. To our knowledge, this variant has not been reported in the literature or in a large population database, indicating this variant is rare. At this time, the clinical significance of this variant is uncertain due to the absence of conclusive functional and genetic evidence.